The following is an entry in ClinVar:

ClinVar aggregate classification (germline): Conflicting classifications of pathogenicity. Review status: criteria provided, conflicting classifications (1 of 4 stars). 2 submissions from 2 submitters: Uncertain significance (1); Likely benign (1). Last evaluated 2018-11-06.

Conditions:
Cardiovascular phenotype. Identifiers: MedGen CN230736.

Allele frequency attached by ClinVar (database versions not stated): ExAC 0.00003.
gnomAD v4.1: 52 of 1,593,996 alleles (0.0033%); highest among the groups gnomAD compares: South Asian, 0.034%; no homozygotes.

Submissions (2):

Blueprint Genetics
Classification: Likely benign. Last evaluated: 2018-11-06. Review status: criteria provided, single submitter. Criteria: ACMG Guidelines, 2015. Collection method: clinical testing. Allele origin: germline.

Ambry Genetics
Classification: Uncertain significance for Cardiovascular phenotype. Last evaluated: 2018-05-30. Review status: criteria provided, single submitter. Criteria: Ambry Variant Classification Scheme 2023. Collection method: clinical testing. Allele origin: germline.
Comment: The p.R21114C variant (also known as c.63340C>T), located in coding exon 162 of the TTN gene, results from a C to T substitution at nucleotide position 63340. The arginine at codon 21114 is replaced by cysteine, an amino acid with highly dissimilar properties. This amino acid position is highly conserved in available vertebrate species. In addition, the in silico prediction for this alteration is inconclusive. Since supporting evidence is limited at this time, the clinical significance of this alteration remains unclear.

NM_001267550.2(TTN):c.90535C>T (p.Arg30179Cys)

Genes: TTN (titin; minus strand), TTN-AS1 (TTN antisense RNA 1; plus strand). Cytogenetic location: 2q31.2.
Variant type: single nucleotide variant.
Coding change: c.90535C>T on transcript NM_001267550.2 (MANE Select); coding-DNA position 90535, C replaced by T.
Protein change: p.Arg30179Cys; replaces arginine 30179 with cysteine.
Molecular consequence: missense variant.
Genome position (GRCh38, 1-based): chr2:178,552,365, G>A on the plus strand (C>T on the coding strand, the complement: TTN is on the minus strand). VCF-style: chr2-178552365-G-A. GRCh37 (hg19) VCF-style: chr2-179417092-G-A.
Other names: c.85612C>T, p.Arg28538Cys (NM_001256850.1); c.63340C>T, p.Arg21114Cys (NM_003319.4); c.82831C>T, p.Arg27611Cys (NM_133378.4); c.63715C>T, p.Arg21239Cys (NM_133432.3); c.63916C>T, p.Arg21306Cys (NM_133437.4); short protein forms R27611C, R30179C, R21306C, R28538C, R21114C, R21239C.
Identifiers: ClinVar variation 1752916 (VCV001752916.3), dbSNP rs769360937, ClinGen allele CA1987779.